The following is an entry in ClinVar:

ClinVar aggregate classification (germline): Uncertain significance. Review status: criteria provided, multiple submitters, no conflicts (2 of 4 stars). 6 submissions from 6 submitters: Uncertain significance (6). Last evaluated 2026-06-16.

Conditions:
FLNC-related disorder. Also called: FLNC-related condition; FLNC-related disorders.
Hypertrophic cardiomyopathy 26. Also called: Cardiomyopathy, familial hypertrophic, 26. Identifiers: Orphanet 75249, MedGen C4310749, MONDO:0014883, OMIM 617047.
Distal myopathy with posterior leg and anterior hand involvement. Also called: WILLIAMS DISTAL MYOPATHY. Identifiers: Orphanet 63273, MedGen C3279722, MONDO:0013550, OMIM 614065.
Myofibrillar myopathy 5. Also called: Filaminopathy (type); FILAMINOPATHY, AUTOSOMAL DOMINANT. Identifiers: Orphanet 171445, MedGen C1836050, MONDO:0012289, OMIM 609524.
Cardiovascular phenotype. Identifiers: MedGen CN230736.

Allele frequency attached by ClinVar (database versions not stated): ExAC 0.00001; gnomAD 0.00001 and 0.00002; gnomAD exomes 0.00001; TOPMed 0.00002.
gnomAD v4.1: 62 of 1,613,870 alleles (0.0038%); highest among the groups gnomAD compares: Non-Finnish European, 0.0048%; no homozygotes.

Submissions (6):

PreventionGenetics, part of Exact Sciences
Classification: Uncertain significance for FLNC-related condition. Last evaluated: 2026-06-16. Review status: criteria provided, single submitter. Criteria: ACMG Guidelines, 2015. Collection method: clinical testing. Allele origin: germline.
Comment: The FLNC c.3475C>T variant is predicted to result in the amino acid substitution p.Arg1159Trp. This variant has been reported in an individual with hypertrophic cardiomyopathy (Ader et al. 2018. PubMed ID: 30418145). This variant is reported in 0.0031% of alleles in individuals of European (Non-Finnish) descent in gnomAD. At this time, the clinical significance of this variant is uncertain due to the absence of conclusive functional and genetic evidence.

Labcorp Genetics (formerly Invitae), Labcorp
Classification: Uncertain significance for Distal myopathy with posterior leg and anterior hand involvement; Myofibrillar myopathy 5; Hypertrophic cardiomyopathy 26. Last evaluated: 2025-11-09. Review status: criteria provided, single submitter. Criteria: Invitae Variant Classification Sherloc (09022015). Collection method: clinical testing. Allele origin: germline.
Comment: This sequence change replaces arginine, which is basic and polar, with tryptophan, which is neutral and slightly polar, at codon 1159 of the FLNC protein (p.Arg1159Trp). This variant is present in population databases (rs760500171, gnomAD 0.003%). This missense change has been observed in individual(s) with clinical features of FLNC-related conditions (PMID: 30418145). ClinVar contains an entry for this variant (Variation ID: 374760). Invitae Evidence Modeling of protein sequence and biophysical properties (such as structural, functional, and spatial information, amino acid conservation, physicochemical variation, residue mobility, and thermodynamic stability) has been performed for this missense variant. However, the output from this modeling did not meet the statistical confidence thresholds required to predict the impact of this variant on FLNC protein function. In summary, the available evidence is currently insufficient to determine the role of this variant in disease. Therefore, it has been classified as a Variant of Uncertain Significance.

Ambry Genetics
Classification: Uncertain significance for Cardiovascular phenotype. Last evaluated: 2025-08-31. Review status: criteria provided, single submitter. Criteria: Ambry Variant Classification Scheme 2023. Collection method: clinical testing. Allele origin: germline.

Victorian Clinical Genetics Services, Murdoch Childrens Research Institute
Classification: Uncertain significance for Hypertrophic cardiomyopathy 26. Last evaluated: 2024-10-10. Review status: criteria provided, single submitter. Criteria: ACMG Guidelines, 2015. Collection method: clinical testing. Allele origin: germline. Inheritance: Autosomal dominant inheritance. Affected: yes.
Comment: Based on the classification scheme VCGS_Germline_v1.3.5, this variant is classified as VUS-3C. Following criteria are met: 0103 - Loss of function and gain of function are known mechanisms of disease in this gene. Loss of function is the established mechanism of disease for variants in dilated cardiomyopathy (PMID: 32112656), familial hypertrophic cardiomyopathy 26 (MIM#617047), familial restrictive cardiomyopathy 5 (MIM#617047), familial arrhythmogenic right ventricular dysplasia (MIM#617047), and myofibrillar myopathy 5 (MIM#609524). In distal myopathy 4 (MIM#614065), NMD-predicted variants cause a loss of function, however missense variants have been shown to result in a toxic gain of function (PMID: 32112656). (I) 0107 - This gene is associated with autosomal dominant disease. Variants located throughout the gene that are predicted to result in nonsense-mediated decay (NMD) are enriched in dilated cardiomyopathy, whereas missense variants in the ROD2 domain are enriched in familial hypertrophic cardiomyopathy 26 and familial restrictive cardiomyopathy 5 (MIM#617047). Additionally, myofibrillar myopathy 5 (MIM#609524) is known to result from either missense variants in the ROD2 domain or truncating variants in the Ig-like domain 24, while missense variants in the actin-binding domain and NMD-predicted variants located in the Ig-like domain 15 and have been reported for distal myopathy 4 (MIM#614065) (PMID: 32112656). (I) 0115 - Variants in this gene are known to have variable expressivity in relation to arrhythmogenic right ventricular cardiomyopathy (PMID: 31627847). (I) 0200 - Variant is predicted to result in a missense amino acid change from arginine to tryptophan. (I) 0251 - This variant is heterozygous. (I) 0302 - Variant is present in gnomAD (v4) <0.001 for a dominant condition (62 heterozygotes, 0 homozygotes). (SP) 0309 - Multiple alternative amino acid changes at the same position have been observed in gnomAD (v4) (highest allele count: 74 heterozygotes, 0 homozygotes). (I) 0501 - Missense variant consistently predicted to be damaging by multiple in silico tools or highly conserved with a major amino acid change. (SP) 0600 - Variant is located in the annotated Filamin/ABP280 repeat domain (DECIPHER). (I) 0710 - Other missense variants comparable to the one identified in this case have inconclusive previous evidence for pathogenicity. p.(Arg1159Gly) has been reported three times as a VUS and p.(Arg1159Gln) has been reported four times as a VUS and once as likely benign (ClinVar). (I) 0809 - Previous evidence of pathogenicity for this variant is inconclusive. This variant has been reported four times as a VUS (ClinVar). (I) 0905 - No published segregation evidence has been identified for this variant. (I) 1007 - No published functional evidence has been identified for this variant. (I) 1208 - Inheritance information for this variant is not currently available in this individual. (I) Legend: (SP) - Supporting pathogenic, (I) - Information, (SB) - Supporting benign

Revvity Omics, Revvity
Classification: Uncertain significance. Last evaluated: 2022-05-23. Review status: criteria provided, single submitter. Criteria: ACMG Guidelines, 2015. Collection method: clinical testing. Allele origin: germline.

CeGaT Center for Human Genetics Tuebingen
Classification: Uncertain significance. Last evaluated: 2016-07-31. Review status: criteria provided, single submitter. Criteria: Praxis fuer Humangenetik Tuebingen - Variant Classification Criteria. Collection method: clinical testing. Allele origin: germline. Affected: yes. Observed: 1 variant allele.

Literature cited by the submitters: PubMed 30418145 (cited by Labcorp Genetics (formerly Invitae), Labcorp); PubMed 31627847 (cited by Victorian Clinical Genetics Services, Murdoch Childrens Research Institute); PubMed 32112656 (cited by Victorian Clinical Genetics Services, Murdoch Childrens Research Institute).

NM_001458.5(FLNC):c.3475C>T (p.Arg1159Trp)

Gene: FLNC (filamin C; plus strand). Cytogenetic location: 7q32.1.
Variant type: single nucleotide variant.
Coding change: c.3475C>T on transcript NM_001458.5 (MANE Select); coding-DNA position 3475, C replaced by T.
Protein change: p.Arg1159Trp; replaces arginine 1159 with tryptophan.
Molecular consequence: missense variant.
Genome position (GRCh38, 1-based): chr7:128,844,940, C>T. VCF-style: chr7-128844940-C-T. GRCh37 (hg19) VCF-style: chr7-128484994-C-T.
Other names: c.3475C>T, p.Arg1159Trp (NM_001127487.2); short protein forms R1159W.
Identifiers: ClinVar variation 374760 (VCV000374760.14), dbSNP rs760500171, ClinGen allele CA4475051.